The following is an entry in ClinVar:

NM_080911.3(UNG):c.437T>G (p.Val146Gly)

Gene: UNG (uracil DNA glycosylase; plus strand). Cytogenetic location: 12q24.11.
Variant type: single nucleotide variant.
Coding change: c.437T>G on transcript NM_080911.3 (MANE Select); coding-DNA position 437, T replaced by G.
Protein change: p.Val146Gly; replaces valine 146 with glycine.
Molecular consequence: missense variant.
Genome position (GRCh38, 1-based): chr12:109,101,903, T>G. VCF-style: chr12-109101903-T-G. GRCh37 (hg19) VCF-style: chr12-109539708-T-G.
Other names: c.410T>G, p.Val137Gly (NM_003362.4); short protein forms V146G, V137G.
Identifiers: ClinVar variation 2717930 (VCV002717930.3), dbSNP rs2499981273, ClinGen allele CA386471577.

ClinVar aggregate classification (germline): Uncertain significance (1 of 4 stars; one submission).

Conditions:
Hyper-IgM syndrome type 5 (HIGM5). Also called: Hyper-IgM Immunodeficiency Syndrome, Type 5. Identifiers: Orphanet 101092, MedGen C1720958, MONDO:0011971, OMIM 608106.

Submission:

Labcorp Genetics (formerly Invitae), Labcorp
Classification: Uncertain significance for Hyper-IgM syndrome type 5. Last evaluated: 2023-06-16. Review status: criteria provided, single submitter. Criteria: Invitae Variant Classification Sherloc (09022015). Collection method: clinical testing. Allele origin: germline.
Comment: An algorithm developed to predict the effect of missense changes on protein structure and function (PolyPhen-2) suggests that this variant is likely to be disruptive. This variant has not been reported in the literature in individuals affected with UNG-related conditions. This variant is not present in population databases (gnomAD no frequency). This sequence change replaces valine, which is neutral and non-polar, with glycine, which is neutral and non-polar, at codon 146 of the UNG protein (p.Val146Gly). In summary, the available evidence is currently insufficient to determine the role of this variant in disease. Therefore, it has been classified as a Variant of Uncertain Significance. Algorithms developed to predict the effect of sequence changes on RNA splicing suggest that this variant may disrupt the consensus splice site.